The following is an entry in ClinVar:

NM_007286.6(SYNPO):c.2179C>T (p.Pro727Ser)

Genes: SYNPO (synaptopodin; plus strand), LOC129995010 (ATAC-STARR-seq lymphoblastoid silent region 16515; plus strand). Cytogenetic location: 5q33.1.
Variant type: single nucleotide variant.
Coding change: c.2179C>T on transcript NM_007286.6 (MANE Select); coding-DNA position 2179, C replaced by T.
Protein change: p.Pro727Ser; replaces proline 727 with serine.
Molecular consequence: missense variant.
Genome position (GRCh38, 1-based): chr5:150,656,554, C>T. VCF-style: chr5-150656554-C-T. GRCh37 (hg19) VCF-style: chr5-150036116-C-T.
Other names: c.2179C>T (NM_007286.5); short protein forms P727S.
Identifiers: ClinVar variation 2142121 (VCV002142121.5), dbSNP rs751410688, ClinGen allele CA3513583.
Genomic context (GRCh38, chr5:150,656,554, plus strand): 5'-CCGTGGGAGCCAGGTCGCGGGAGCAGCATGAGCAGCCCCCCGCCGCTGCCGCCGCCACCG[C>T]CCATGTCTCCCTCGTGGAGCGAGCGCTCGGTGTCCCCGCTGCGACCTGAGACCGAGGCGC-3'
Protein context (NP_009217.3, residues 717-737): SSPPPLPPPP[Pro727Ser]MSPSWSERSV

ClinVar aggregate classification (germline): Uncertain significance. Review status: criteria provided, multiple submitters, no conflicts (2 of 4 stars). 2 submissions from 2 submitters: Uncertain significance (2). Last evaluated 2025-06-12.

Allele frequency attached by ClinVar (database versions not stated): 1000 Genomes Project 30x 0.00125.
gnomAD v4.1: 144 of 1,528,594 alleles (0.0094%); highest among the groups gnomAD compares: African/African-American, 0.17%; no homozygotes.

Submissions (2):

Labcorp Genetics (formerly Invitae), Labcorp
Classification: Uncertain significance. Last evaluated: 2025-06-12. Review status: criteria provided, single submitter. Criteria: Invitae Variant Classification Sherloc (09022015). Collection method: clinical testing. Allele origin: germline.
Comment: This sequence change replaces proline, which is neutral and non-polar, with serine, which is neutral and polar, at codon 727 of the SYNPO protein (p.Pro727Ser). This variant is present in population databases (rs751410688, gnomAD 0.2%), and has an allele count higher than expected for a pathogenic variant. This variant has not been reported in the literature in individuals affected with SYNPO-related conditions. ClinVar contains an entry for this variant (Variation ID: 2142121). An algorithm developed to predict the effect of missense changes on protein structure and function (PolyPhen-2) suggests that this variant is likely to be tolerated. In summary, the available evidence is currently insufficient to determine the role of this variant in disease. Therefore, it has been classified as a Variant of Uncertain Significance.

Ambry Genetics
Classification: Uncertain significance. Last evaluated: 2021-10-12. Review status: criteria provided, single submitter. Criteria: Ambry Variant Classification Scheme 2023. Collection method: clinical testing. Allele origin: germline.